The following is an entry in ClinVar:

ClinVar aggregate classification (germline): Pathogenic (1 of 4 stars; one submission).

Conditions:
Breast-ovarian cancer, familial, susceptibility to, 1 (BROVCA1). Also called: BRCA1 Hereditary Breast and Ovarian Cancer; OVARIAN CANCER, SUSCEPTIBILITY TO. Identifiers: Orphanet 145, MedGen C2676676, MONDO:0011450, OMIM 604370. Disease mechanism: loss of function.

Submission:

Myriad Genetics, Inc.
Classification: Pathogenic for Breast-ovarian cancer, familial, susceptibility to, 1. Last evaluated: 2023-02-13. Review status: criteria provided, single submitter. Criteria: Myriad Autosomal Dominant, Autosomal Recessive and X-Linked Classification Criteria (2023). Collection method: clinical testing. Allele origin: unknown.
Comment: This variant is considered pathogenic. This variant creates a frameshift predicted to result in premature protein truncation.

NM_007294.4(BRCA1):c.61dup (p.Ile21fs)

Gene: BRCA1 (BRCA1 DNA repair associated; minus strand). Cytogenetic location: 17q21.31.
Variant type: Duplication.
Coding change: c.61dup on transcript NM_007294.4 (MANE Select); coding-DNA position 61, one base duplicated (A; older notation c.61dupA).
Protein change: p.Ile21fs; shifts the reading frame from isoleucine 21.
Molecular consequence: frameshift variant. On other transcripts: 5 prime UTR variant (136), intron variant (36).
Genome position (GRCh38, 1-based): chr17:43,124,036, T duplicated on the plus strand (A on the coding strand, the reverse complement: BRCA1 is on the minus strand); the first of 4 consecutive T bases (chr17:43,124,036-43,124,039); duplicating any one gives the same sequence. VCF-style (leftmost placement, unchanged base first): chr17-43124035-A-AT. GRCh37 (hg19) VCF-style: chr17-41276052-A-AT.
Other names: c.-74dup (NM_001407881.1, NM_001407898.1, NM_001407902.1); c.-128dup (NM_001407882.1, NM_001407884.1, NM_001407886.1 and 46 more transcripts); c.-244dup (NM_001407889.1, NM_001408492.1); c.-247dup (NM_001407917.1, NM_001407954.1, NM_001408513.1); c.61dup, p.Ile21fs (NM_001407919.1, NM_001407968.1, NM_001407969.1 and 192 more transcripts); c.-226dup (NM_001407920.1, NM_001407846.1, NM_001407697.1); c.-359dup (NM_001407965.1); c.-200dup (NM_001408410.1, NM_001408452.1, NM_001408462.1 and 22 more transcripts); and 24 more; short protein forms I21fs.
Identifiers: ClinVar variation 2573315 (VCV002573315.1), dbSNP rs273902778, ClinGen allele CA2580612636.